The following is an entry in ClinVar:

NM_000363.5(TNNI3):c.538G>A (p.Asp180Asn)

Gene: TNNI3 (troponin I3, cardiac type; minus strand). Cytogenetic location: 19q13.42.
Variant type: single nucleotide variant.
Coding change: c.538G>A on transcript NM_000363.5 (MANE Select); coding-DNA position 538, G replaced by A.
Protein change: p.Asp180Asn; replaces aspartic acid 180 with asparagine.
Molecular consequence: missense variant.
Genome position (GRCh38, 1-based): chr19:55,154,041, C>T on the plus strand (G>A on the coding strand, the complement: TNNI3 is on the minus strand). VCF-style: chr19-55154041-C-T. GRCh37 (hg19) VCF-style: chr19-55665409-C-T.
Other names: c.538G>A (LRG_432t1); short protein forms D180N.
Identifiers: ClinVar variation 410989 (VCV000410989.13), dbSNP rs1060503103, ClinGen allele CA16616429.

ClinVar aggregate classification (germline): Uncertain significance. Review status: criteria provided, multiple submitters, no conflicts (2 of 4 stars). 3 submissions from 3 submitters: Uncertain significance (2). 1 of the submissions does not count toward it. Last evaluated 2022-07-07.

Conditions:
Cardiovascular phenotype. Identifiers: MedGen CN230736.
Hypertrophic cardiomyopathy. Also called: HYPERTROPHIC MYOCARDIOPATHY. Identifiers: Orphanet 217569, MedGen C0007194, MeSH D002312, MONDO:0005045, HP:0001639.
Primary dilated cardiomyopathy (DCM). Also called: Dilated Cardiomyopathy. Identifiers: Orphanet 217604, MedGen C0007193, MeSH D002311, MONDO:0005021, HP:0001644. Inheritance: Various modes of inheritance.

Submissions (3):

Ambry Genetics
Classification: Uncertain significance for Cardiovascular phenotype. Last evaluated: 2022-07-07. Review status: criteria provided, single submitter. Criteria: Ambry Variant Classification Scheme 2023. Collection method: clinical testing. Allele origin: germline.
Comment: The p.D180N variant (also known as c.538G>A), located in coding exon 7 of the TNNI3 gene, results from a G to A substitution at nucleotide position 538. The aspartic acid at codon 180 is replaced by asparagine, an amino acid with highly similar properties. This amino acid position is well conserved in available vertebrate species. In addition, the in silico prediction for this alteration is inconclusive. Since supporting evidence is limited at this time, the clinical significance of this alteration remains unclear.

Labcorp Genetics (formerly Invitae), Labcorp
Classification: Uncertain significance for Hypertrophic cardiomyopathy. Last evaluated: 2018-09-11. Review status: criteria provided, single submitter. Criteria: Invitae Variant Classification Sherloc (09022015). Collection method: clinical testing. Allele origin: germline.
Comment: In summary, this variant is a novel missense change with uncertain impact on protein function. It has been classified as a Variant of Uncertain Significance. Algorithms developed to predict the effect of missense changes on protein structure and function do not agree on the potential impact of this missense change (SIFT: "Deleterious"; PolyPhen-2: "Possibly Damaging"; Align-GVGD: "Class C15"). This variant is not present in population databases (ExAC no frequency) and has not been reported in the literature in individuals with a TNNI3-related disease. This sequence change replaces aspartic acid with asparagine at codon 180 of the TNNI3 protein (p.Asp180Asn). The aspartic acid residue is highly conserved and there is a small physicochemical difference between aspartic acid and asparagine.

Agnes Ginges Centre for Molecular Cardiology, Centenary Institute
Classification: Uncertain significance for Primary dilated cardiomyopathy. Last evaluated: 2019-06-04. Review status: no assertion criteria provided. Collection method: research. Allele origin: germline. Inheritance: Autosomal dominant inheritance. Affected: yes. Not counted in ClinVar's aggregate classification.
Comment: TNNI3 Asp180Asn has been previously reported in a childhood DCM case (Genedx, ClinVar: SCV000551897.1). This variant is absent from the Genome Aggregation Database. In silico tools SIFT, PolyPhen-2 and MutationTaster predict this variant to be deleterious. In summary, the variant has been reported in one other DCM case, is rare in the general population and in silico tools predict that the variant impacts protein function, therefore we classify TNNI3 Asp180Asn as a variant of 'uncertain significance'.